The following is an entry in ClinVar:

NM_004006.3(DMD):c.3718C>A (p.Leu1240Ile)

Gene: DMD (dystrophin; minus strand). Cytogenetic location: Xp21.1.
Variant type: single nucleotide variant.
Coding change: c.3718C>A on transcript NM_004006.3 (MANE Select); coding-DNA position 3718, C replaced by A.
Protein change: p.Leu1240Ile; replaces leucine 1240 with isoleucine.
Molecular consequence: missense variant.
Genome position (GRCh38, 1-based): chrX:32,448,524, G>T on the plus strand (C>A on the coding strand, the complement: DMD is on the minus strand). VCF-style: chrX-32448524-G-T. GRCh37 (hg19) VCF-style: chrX-32466641-G-T.
Other names: c.3694C>A, p.Leu1232Ile (NM_000109.4); c.3706C>A, p.Leu1236Ile (NM_004009.3); c.3349C>A, p.Leu1117Ile (NM_004010.3); short protein forms L1240I, L1232I, L1117I, L1236I.
Identifiers: ClinVar variation 526088 (VCV000526088.4), dbSNP rs1557362186, ClinGen allele CA412661908.

ClinVar aggregate classification (germline): Uncertain significance. Review status: criteria provided, single submitter (1 of 4 stars). 2 submissions from 2 submitters: Uncertain significance (1). 1 of the submissions does not count toward it. Last evaluated 2022-02-04.

Conditions:
Dystrophin deficiency.
Cardiomyopathy (CMYO). Also called: Cardiomyopathies. Identifiers: Orphanet 167848, MedGen C0878544, MONDO:0004994, HP:0001638. Inheritance: Various modes of inheritance.
Becker muscular dystrophy (BMD). Also called: Becker Muscular Dystrophy (BMD); MUSCULAR DYSTROPHY, PSEUDOHYPERTROPHIC PROGRESSIVE, BECKER TYPE. Identifiers: Orphanet 98895, MedGen C0917713, MONDO:0010311, OMIM 300376.
Duchenne muscular dystrophy (DMD). Also called: Duchenne Muscular Dystrophy (DMD); MUSCULAR DYSTROPHY, PSEUDOHYPERTROPHIC PROGRESSIVE, DUCHENNE TYPE. Identifiers: Orphanet 98896, MedGen C0013264, MONDO:0010679, OMIM 310200.

Allele frequency attached by ClinVar (database versions not stated): gnomAD exomes 0.00001.
gnomAD v4.1: 14 of 1,208,800 alleles (0.0012%); highest among the groups gnomAD compares: Non-Finnish European, 0.0015%; no homozygotes.

Submissions (2):

Labcorp Genetics (formerly Invitae), Labcorp
Classification: Uncertain significance for Duchenne muscular dystrophy. Last evaluated: 2022-02-04. Review status: criteria provided, single submitter. Criteria: Invitae Variant Classification Sherloc (09022015). Collection method: clinical testing. Allele origin: germline.
Comment: This sequence change replaces leucine, which is neutral and non-polar, with isoleucine, which is neutral and non-polar, at codon 1240 of the DMD protein (p.Leu1240Ile). This variant is not present in population databases (gnomAD no frequency). This variant has not been reported in the literature in individuals affected with DMD-related conditions. ClinVar contains an entry for this variant (Variation ID: 526088). Algorithms developed to predict the effect of missense changes on protein structure and function (SIFT, PolyPhen-2, Align-GVGD) all suggest that this variant is likely to be tolerated. In summary, the available evidence is currently insufficient to determine the role of this variant in disease. Therefore, it has been classified as a Variant of Uncertain Significance.

Natera, Inc.
Classification: Uncertain significance for Becker muscular dystrophy; Cardiomyopathy; Duchenne muscular dystrophy; Dystrophin deficiency. Last evaluated: 2020-01-30. Review status: no assertion criteria provided. Collection method: clinical testing. Allele origin: germline. Not counted in ClinVar's aggregate classification.